The following is an entry in ClinVar:

NM_031935.3(HMCN1):c.14054C>T (p.Ala4685Val)

Gene: HMCN1 (hemicentin 1; plus strand). Cytogenetic location: 1q31.1.
Variant type: single nucleotide variant.
Coding change: c.14054C>T on transcript NM_031935.3 (MANE Select); coding-DNA position 14054, C replaced by T.
Protein change: p.Ala4685Val; replaces alanine 4685 with valine.
Molecular consequence: missense variant.
Genome position (GRCh38, 1-based): chr1:186,144,302, C>T. VCF-style: chr1-186144302-C-T. GRCh37 (hg19) VCF-style: chr1-186113434-C-T.
Other names: short protein forms A4685V.
Identifiers: ClinVar variation 1473729 (VCV001473729.6), dbSNP rs1650146890, ClinGen allele CA343914746.

ClinVar aggregate classification (germline): Uncertain significance (1 of 4 stars; one submission).

Allele frequency attached by ClinVar (database versions not stated): TOPMed below 0.00001.

Submission:

Labcorp Genetics (formerly Invitae), Labcorp
Classification: Uncertain significance. Last evaluated: 2024-10-21. Review status: criteria provided, single submitter. Criteria: Invitae Variant Classification Sherloc (09022015). Collection method: clinical testing. Allele origin: germline.
Comment: This sequence change replaces alanine, which is neutral and non-polar, with valine, which is neutral and non-polar, at codon 4685 of the HMCN1 protein (p.Ala4685Val). This variant is not present in population databases (gnomAD no frequency). This variant has not been reported in the literature in individuals affected with HMCN1-related conditions. ClinVar contains an entry for this variant (Variation ID: 1473729). An algorithm developed to predict the effect of missense changes on protein structure and function outputs the following: PolyPhen-2: "Benign". The valine amino acid residue is found in multiple mammalian species, which suggests that this missense change does not adversely affect protein function. Algorithms developed to predict the effect of sequence changes on RNA splicing suggest that this variant may disrupt the consensus splice site. In summary, the available evidence is currently insufficient to determine the role of this variant in disease. Therefore, it has been classified as a Variant of Uncertain Significance.